The following is an entry in ClinVar:

NM_207581.4(DUOXA2):c.78C>G (p.Ile26Met)

Gene: DUOXA2 (dual oxidase maturation factor 2; plus strand). Cytogenetic location: 15q21.1.
Variant type: single nucleotide variant.
Coding change: c.78C>G on transcript NM_207581.4 (MANE Select); coding-DNA position 78, C replaced by G.
Protein change: p.Ile26Met; replaces isoleucine 26 with methionine.
Molecular consequence: missense variant.
Genome position (GRCh38, 1-based): chr15:45,114,683, C>G. VCF-style: chr15-45114683-C-G. GRCh37 (hg19) VCF-style: chr15-45406881-C-G.
Other names: short protein forms I26M.
Identifiers: ClinVar variation 2682199 (VCV002682199.1), dbSNP rs2504796285, ClinGen allele CA392281570.
Genomic context (GRCh38, chr15:45,114,683, plus strand): 5'-CGTACTGCCTTTTTACCCCCAGCCCCGGCATGCCGCAGGCTTCAGCGTTCCACTGCTCAT[C>G]GTTATTCTAGTGTTTTTGGCTCTAGCAGCAAGCTTCCTGCTCATCTTGCCGGGGATCCGT-3'
Protein context (NP_997464.2, residues 16-36): HAAGFSVPLL[Ile26Met]VILVFLALAA

ClinVar aggregate classification (germline): Uncertain significance (1 of 4 stars; one submission).

Allele frequency attached by ClinVar (database versions not stated): gnomAD exomes below 0.00001.
gnomAD v4.1: 1 of 1,614,212 alleles (0.000062%); highest among the groups gnomAD compares: East Asian, 0.0022%; no homozygotes.

Submission:

Women's Health and Genetics/Laboratory Corporation of America, LabCorp
Classification: Uncertain significance. Last evaluated: 2023-11-20. Review status: criteria provided, single submitter. Criteria: LabCorp Variant Classification Summary - May 2015. Collection method: clinical testing. Allele origin: germline.
Comment: Variant summary: DUOXA2 c.78C>G (p.Ile26Met) results in a conservative amino acid change in the encoded protein sequence. Three of five in-silico tools predict a damaging effect of the variant on protein function. The variant was absent in 251416 control chromosomes. The available data on variant occurrences in the general population are insufficient to allow any conclusion about variant significance. c.78C>G has been reported in the literature as a single heterozygous change in one individual affected with Congenital Goiter Hypothyroidism (example, Liu_2015). These report(s) do not provide unequivocal conclusions about association of the variant with Thyroglobulin synthesis defect. At least one publication reports experimental evidence evaluating an impact on protein function, however, DUOXA2 and DUOX2 expression levels in HeLa cells are not affected by this variant, whereas H2O2 generation assays confirmed defects of NADPH oxidase activity. As no direct effect on DUOXA2 function has been performed, this study does not allow convincing conclusions about the variant effect (Liu_2015). The following publication have been ascertained in the context of this evaluation (PMID: 25675383). No submitters have cited clinical-significance assessments for this variant to ClinVar after 2014. Based on the evidence outlined above, the variant was classified as uncertain significance.

Literature cited by the submitters: PubMed 25675383.